The following is an entry in ClinVar:

ClinVar aggregate classification (germline): Uncertain significance. Review status: criteria provided, multiple submitters, no conflicts (2 of 4 stars). 2 submissions from 2 submitters: Uncertain significance (2). Last evaluated 2025-09-14.

Conditions:
ERBIN-related disorder. Also called: ERBIN-related condition.

Allele frequency attached by ClinVar (database versions not stated): gnomAD exomes below 0.00001; gnomAD 0.00001; TOPMed 0.00001.
gnomAD v4.1: 7 of 1,614,072 alleles (0.00043%); highest among the groups gnomAD compares: Non-Finnish European, 0.00059%; no homozygotes.

Submissions (2):

PreventionGenetics, part of Exact Sciences
Classification: Uncertain significance for ERBIN-related condition. Last evaluated: 2025-09-14. Review status: criteria provided, single submitter. Criteria: ACMG Guidelines, 2015. Collection method: clinical testing. Allele origin: germline.
Comment: The ERBIN c.3116A>C variant is predicted to result in the amino acid substitution p.Asn1039Thr. To our knowledge, this variant has not been reported in the literature. This variant is reported in 0.00088% of alleles in individuals of European (Non-Finnish) descent in gnomAD. At this time, the clinical significance of this variant is uncertain due to the absence of conclusive functional and genetic evidence.

Labcorp Genetics (formerly Invitae), Labcorp
Classification: Uncertain significance. Last evaluated: 2024-12-31. Review status: criteria provided, single submitter. Criteria: Invitae Variant Classification Sherloc (09022015). Collection method: clinical testing. Allele origin: germline.
Comment: This sequence change replaces asparagine, which is neutral and polar, with threonine, which is neutral and polar, at codon 1039 of the ERBIN protein (p.Asn1039Thr). This variant is present in population databases (no rsID available, gnomAD 0.0009%). This variant has not been reported in the literature in individuals affected with ERBIN-related conditions. ClinVar contains an entry for this variant (Variation ID: 1466960). An algorithm developed to predict the effect of missense changes on protein structure and function (PolyPhen-2) suggests that this variant is likely to be tolerated. In summary, the available evidence is currently insufficient to determine the role of this variant in disease. Therefore, it has been classified as a Variant of Uncertain Significance.

NM_001253697.2(ERBIN):c.3116A>C (p.Asn1039Thr)

Gene: ERBIN (erbb2 interacting protein; plus strand). Cytogenetic location: 5q12.3.
Variant type: single nucleotide variant.
Coding change: c.3116A>C on transcript NM_001253697.2 (MANE Select); coding-DNA position 3116, A replaced by C.
Protein change: p.Asn1039Thr; replaces asparagine 1039 with threonine.
Molecular consequence: missense variant.
Genome position (GRCh38, 1-based): chr5:66,054,434, A>C. VCF-style: chr5-66054434-A-C. GRCh37 (hg19) VCF-style: chr5-65350262-A-C.
Other names: c.3116A>C, p.Asn1039Thr (NM_001006600.3, NM_001253698.2, NM_001253699.2 and 1 more transcripts); c.3104A>C, p.Asn1035Thr (NM_001253701.2); c.3116A>C (NM_001006600.2); short protein forms N1035T, N1039T.
Identifiers: ClinVar variation 1466960 (VCV001466960.9), dbSNP rs1248360323, ClinGen allele CA359868917.
Genomic context (GRCh38, chr5:66,054,434, plus strand): 5'-AAAGTTATGCTAAACATTCTGCCAATATGAATTTCTCTAATCATAACAATGTTCGAGCTA[A>C]TACTGCATACCATTTACATCAGAGACTTGGCCCAGCAAGACATGGGGAAATGTGGGCCAT-3'
Protein context (NP_001240626.1, residues 1029-1049): NFSNHNNVRA[Asn1039Thr]TAYHLHQRLG